The following is an entry in ClinVar:

ClinVar aggregate classification (germline): Benign/Likely benign. Review status: criteria provided, multiple submitters, no conflicts (2 of 4 stars). 6 submissions from 6 submitters: Benign (3); Likely benign (3). Last evaluated 2026-01-21.

Conditions:
Kabuki syndrome. Also called: Kabuki make-up syndrome; NIIKAWA-KUROKI SYNDROME. Identifiers: Orphanet 2322, MedGen C0796004, MONDO:0016512.

Allele frequency attached by ClinVar (database versions not stated): ExAC 0.00015; ESP Exome Variant Server 0.00025; 1000 Genomes Project 0.00100; 1000 Genomes Project 30x 0.00109.
gnomAD v4.1: 166 of 1,609,036 alleles (0.01%); highest among the groups gnomAD compares: African/African-American, 0.19%; no homozygotes.

Submissions (6):

Labcorp Genetics (formerly Invitae), Labcorp
Classification: Benign for Kabuki syndrome. Last evaluated: 2026-01-21. Review status: criteria provided, single submitter. Criteria: Invitae Variant Classification Sherloc (09022015). Collection method: clinical testing. Allele origin: germline.

Laboratory of Genetics, Children's Clinical University Hospital Latvia
Classification: Likely benign. Last evaluated: 2025-02-16. Review status: criteria provided, single submitter. Criteria: ACMG Guidelines, 2015. Collection method: clinical testing. Allele origin: germline. Affected: yes.

Blueprint Genetics
Classification: Likely benign. Last evaluated: 2024-06-24. Review status: criteria provided, single submitter. Criteria: ACMG Guidelines, 2015. Collection method: clinical testing. Allele origin: germline.

CeGaT Center for Human Genetics Tuebingen
Classification: Likely benign. Last evaluated: 2023-07-01. Review status: criteria provided, single submitter. Criteria: CeGaT Center For Human Genetics Tuebingen Variant Classification Criteria Version 2. Collection method: clinical testing. Allele origin: germline. Affected: yes. Observed: 1 variant allele.
Comment: KMT2D: BP4, BP7

GeneDx
Classification: Benign. Last evaluated: 2019-04-15. Review status: criteria provided, single submitter. Criteria: GeneDx Variant Classification Process June 2021. Collection method: clinical testing. Allele origin: germline. Affected: yes.

Genetic Services Laboratory, University of Chicago
Classification: Benign. Last evaluated: 2018-09-26. Review status: criteria provided, single submitter. Criteria: ACMG Guidelines, 2015. Collection method: clinical testing. Allele origin: germline. Affected: no.

NM_003482.4(KMT2D):c.7497C>T (p.Pro2499=)

Gene: KMT2D (lysine methyltransferase 2D; minus strand). Cytogenetic location: 12q13.12.
Variant type: single nucleotide variant.
Coding change: c.7497C>T on transcript NM_003482.4 (MANE Select); coding-DNA position 7497, C replaced by T.
Protein change: p.Pro2499=; no amino-acid change (proline 2499 retained).
Molecular consequence: synonymous variant.
Genome position (GRCh38, 1-based): chr12:49,040,273, G>A on the plus strand (C>T on the coding strand, the complement: KMT2D is on the minus strand). VCF-style: chr12-49040273-G-A. GRCh37 (hg19) VCF-style: chr12-49434056-G-A.
Identifiers: ClinVar variation 1164957 (VCV001164957.41), dbSNP rs201218526, ClinGen allele CA6547055.